The following is an entry in ClinVar:

NM_000283.4(PDE6B):c.1526T>A (p.Leu509Gln)

Gene: PDE6B (phosphodiesterase 6B; plus strand). Cytogenetic location: 4p16.3.
Variant type: single nucleotide variant.
Coding change: c.1526T>A on transcript NM_000283.4 (MANE Select); coding-DNA position 1526, T replaced by A.
Protein change: p.Leu509Gln; replaces leucine 509 with glutamine.
Molecular consequence: missense variant.
Genome position (GRCh38, 1-based): chr4:660,525, T>A. VCF-style: chr4-660525-T-A. GRCh37 (hg19) VCF-style: chr4-654314-T-A.
Other names: c.1526T>A, p.Leu509Gln (NM_001145291.2); c.689T>A, p.Leu230Gln (NM_001145292.2, NM_001350154.3, NM_001379246.1 and 1 more transcripts); c.371T>A, p.Leu124Gln (NM_001350155.3); short protein forms L509Q, L124Q, L230Q.
Identifiers: ClinVar variation 2015244 (VCV002015244.4), dbSNP rs2474249673, ClinGen allele CA355916020.

ClinVar aggregate classification (germline): Uncertain significance (1 of 4 stars; one submission).

Submission:

Labcorp Genetics (formerly Invitae), Labcorp
Classification: Uncertain significance. Last evaluated: 2025-03-17. Review status: criteria provided, single submitter. Criteria: Invitae Variant Classification Sherloc (09022015). Collection method: clinical testing. Allele origin: germline.
Comment: This sequence change replaces leucine, which is neutral and non-polar, with glutamine, which is neutral and polar, at codon 509 of the PDE6B protein (p.Leu509Gln). This variant is not present in population databases (gnomAD no frequency). This variant has not been reported in the literature in individuals affected with PDE6B-related conditions. ClinVar contains an entry for this variant (Variation ID: 2015244). Invitae Evidence Modeling of protein sequence and biophysical properties (such as structural, functional, and spatial information, amino acid conservation, physicochemical variation, residue mobility, and thermodynamic stability) has been performed for this missense variant. However, the output from this modeling did not meet the statistical confidence thresholds required to predict the impact of this variant on PDE6B protein function. Algorithms developed to predict the effect of sequence changes on RNA splicing suggest that this variant may create or strengthen a splice site. In summary, the available evidence is currently insufficient to determine the role of this variant in disease. Therefore, it has been classified as a Variant of Uncertain Significance.